The following is an entry in ClinVar:

NM_001164508.2(NEB):c.24176_24179dup (p.Lys8061fs)

Genes: NEB (nebulin; minus strand), RIF1 (replication timing regulatory factor 1; plus strand). Cytogenetic location: 2q23.3.
Variant type: Duplication.
Coding change: c.24176_24179dup on transcript NM_001164508.2 (MANE Select); coding-DNA positions 24176 to 24179, 4 bases duplicated (GAGT; older notation c.24176_24179dupGAGT).
Protein change: p.Lys8061fs; shifts the reading frame from lysine 8061.
Molecular consequence: frameshift variant. On other transcripts: intron variant (1).
Genome position (GRCh38, 1-based): chr2:151,498,288-151,498,291, ACTC duplicated on the plus strand (GAGT on the coding strand, the reverse complement: NEB is on the minus strand). VCF-style (leftmost placement, unchanged base first): chr2-151498287-G-GACTC. GRCh37 (hg19) VCF-style: chr2-152354801-G-GACTC.
Other names: NM_001164508.2(NEB):c.24176_24179dup; p.Lys8061fs; c.24281_24284dupGAGT (NM_001271208.2); c.24176_24179dup, p.Lys8061fs (NM_001164507.2); c.24281_24284dup, p.Lys8096fs (NM_001271208.2); c.18826-1923_18826-1920dup (NM_004543.5); short protein forms K8061fs, K8096fs.
Identifiers: ClinVar variation 1073581 (VCV001073581.12), dbSNP rs2061721973, ClinGen allele CA1298151989.

ClinVar aggregate classification (germline): Pathogenic/Likely pathogenic. Review status: criteria provided, multiple submitters, no conflicts (2 of 4 stars). 5 submissions from 5 submitters: Pathogenic (3); Likely pathogenic (2). Last evaluated 2025-08-06.

Conditions:
Arthrogryposis multiplex congenita 6. Identifiers: MedGen C5543431, MONDO:0030281, OMIM 619334.
Nemaline myopathy. Also called: Myopathies, Nemaline. Identifiers: Orphanet 607, MedGen C0206157, MONDO:0018958.
Nemaline myopathy 2 (NEM2). Also called: Nemaline myopathy 2, autosomal recessive. Identifiers: MedGen C1850569, MONDO:0009725, OMIM 256030.

Allele frequency attached by ClinVar (database versions not stated): TOPMed below 0.00001; gnomAD exomes 0.00001.

Submissions (5):

Labcorp Genetics (formerly Invitae), Labcorp
Classification: Pathogenic for Nemaline myopathy 2. Last evaluated: 2025-08-06. Review status: criteria provided, single submitter. Criteria: Invitae Variant Classification Sherloc (09022015). Collection method: clinical testing. Allele origin: germline.
Comment: This sequence change creates a premature translational stop signal (p.Lys8096Serfs*9) in the NEB gene. It is expected to result in an absent or disrupted protein product. Loss-of-function variants in NEB are known to be pathogenic (PMID: 25205138). This variant is not present in population databases (gnomAD no frequency). This variant has not been reported in the literature in individuals affected with NEB-related conditions. ClinVar contains an entry for this variant (Variation ID: 1073581). Algorithms developed to predict the effect of sequence changes on RNA splicing suggest that this variant may disrupt the consensus splice site. For these reasons, this variant has been classified as Pathogenic.

Broad Center for Mendelian Genomics, Broad Institute of MIT and Harvard
Classification: Likely pathogenic for Nemaline myopathy. Last evaluated: 2025-02-26. Review status: criteria provided, single submitter. Criteria: ACMG Guidelines, 2015. Collection method: curation. Allele origin: germline. Inheritance: Autosomal recessive inheritance.
Comment: The p.Lys8061SerfsTer9 variant in NEB has not been previously reported in the literature in individuals with nemaline myopathy, but has been identified in 0.0003% (3/1146864) of European (non-Finnish) chromosomes by the Genome Aggregation Database (gnomAD; dbSNP ID: rs2061721973). Although this variant has been seen in the general population in a heterozygous state, its frequency is low enough to be consistent with a recessive carrier frequency. This variant has also been reported in ClinVar (Variation ID: 1073581) and has been interpreted as pathogenic/likely pathogenic by Revvity Omics, Women's Health and Genetics/Laboratory Corporation of America, Invitae, and Baylor Genetics. This variant is predicted to cause a frameshift, which alters the protein‚Äôs amino acid sequence beginning at position 8061 and leads to a premature termination codon 9 amino acids downstream. Loss of function of the NEB gene is an established disease mechanism in autosomal recessive nemaline myopathy. although additional studies are required to fully establish its clinical significance, this variant is likely pathogenic for autosomal recessive nemaline myopathy ACMG/AMP Criteria applied: PVS1, PM2_supporting (Richards 2015).

Women's Health and Genetics/Laboratory Corporation of America, LabCorp
Classification: Pathogenic for Nemaline myopathy. Last evaluated: 2023-12-15. Review status: criteria provided, single submitter. Criteria: LabCorp Variant Classification Summary - May 2015. Collection method: clinical testing. Allele origin: germline.
Comment: Variant summary: NEB c.24281_24284dupGAGT (p.Lys8096SerfsX9) results in a premature termination codon, predicted to cause a truncation of the encoded protein or absence of the protein due to nonsense mediated decay, which are commonly known mechanisms for disease. The variant was absent in 157088 control chromosomes. To our knowledge, no occurrence of c.24281_24284dupGAGT in individuals affected with Nemaline Myopathy 2 and no experimental evidence demonstrating its impact on protein function have been reported. Two submitters have cited clinical-significance assessments for this variant to ClinVar after 2014. All submitters classified the variant as pathogenic. Based on the evidence outlined above, the variant was classified as pathogenic.

Baylor Genetics
Classification: Likely pathogenic for Arthrogryposis multiplex congenita 6. Last evaluated: 2023-04-22. Review status: criteria provided, single submitter. Criteria: ACMG Guidelines, 2015. Collection method: clinical testing. Allele origin: unknown.

Revvity Omics, Revvity
Classification: Pathogenic. Last evaluated: 2019-04-23. Review status: criteria provided, single submitter. Criteria: ACMG Guidelines, 2015. Collection method: clinical testing. Allele origin: germline.

Literature cited by the submitters: PubMed 25205138 (cited by Labcorp Genetics (formerly Invitae), Labcorp).